The following is an entry in ClinVar:

ClinVar aggregate classification (germline): Uncertain significance (1 of 4 stars; one submission).

Conditions:
Malignant hyperthermia, susceptibility to, 1 (MHS1). Also called: Anesthesia related hyperthermia; Malignant hyperpyrexia; Fulminating hyperpyrexia; Pharmacogenic myopathy; RYR1-Related Malignant Hyperthermia Susceptibility; Malignant hyperthermia suceptibility 1. Identifiers: Orphanet 423, MedGen C2930980, MONDO:0007783, OMIM 145600.

Allele frequency attached by ClinVar (database versions not stated): gnomAD exomes below 0.00001.
gnomAD v4.1: 2 of 1,614,060 alleles (0.00012%); highest among the groups gnomAD compares: Non-Finnish European, 0.000085%; no homozygotes.

Submission:

All of Us Research Program, National Institutes of Health
Classification: Uncertain significance for Malignant hyperthermia, susceptibility to, 1. Last evaluated: 2024-01-11. Review status: criteria provided, single submitter. Criteria: ACMG Guidelines, 2015. Collection method: clinical testing. Allele origin: germline. Inheritance: Autosomal dominant inheritance. Observed: 1 variant allele, 1 heterozygote.
Comment: This study involves interpretation of variants in research participants for the purpose of population health screening. Participant phenotype was not available at the time of variant classification. Additional details can be found in publication PMID: 35346344, PMCID: PMC8962531

NM_000540.3(RYR1):c.14420A>G (p.Asn4807Ser)

Gene: RYR1 (ryanodine receptor 1; plus strand). Cytogenetic location: 19q13.2.
Variant type: single nucleotide variant.
Coding change: c.14420A>G on transcript NM_000540.3 (MANE Select); coding-DNA position 14420, A replaced by G.
Protein change: p.Asn4807Ser; replaces asparagine 4807 with serine.
Molecular consequence: missense variant.
Genome position (GRCh38, 1-based): chr19:38,580,037, A>G. VCF-style: chr19-38580037-A-G. GRCh37 (hg19) VCF-style: chr19-39070677-A-G.
Other names: c.14405A>G, p.Asn4802Ser (NM_001042723.2); short protein forms N4802S, N4807S.
Identifiers: ClinVar variation 3075385 (VCV003075385.1), dbSNP rs1368251556, ClinGen allele CA405687036.